The following is an entry in ClinVar:

NM_182914.3(SYNE2):c.12492+4A>T

Gene: SYNE2 (spectrin repeat containing nuclear envelope protein 2; plus strand). Cytogenetic location: 14q23.2.
Variant type: single nucleotide variant.
Coding change: c.12492+4A>T on transcript NM_182914.3 (MANE Select); 4 bases into the intron after coding-DNA position 12492, A replaced by T.
Molecular consequence: intron variant.
Genome position (GRCh38, 1-based): chr14:64,102,046, A>T. VCF-style: chr14-64102046-A-T. GRCh37 (hg19) VCF-style: chr14-64568764-A-T.
Other names: c.12492+4A>T (NM_015180.6).
Identifiers: ClinVar variation 1001875 (VCV001001875.6), dbSNP rs1016611009, ClinGen allele CA261824182.

ClinVar aggregate classification (germline): Uncertain significance (1 of 4 stars; one submission).

Conditions:
Emery-Dreifuss muscular dystrophy 5, autosomal dominant (EDMD5). Also called: EMERY-DREIFUSS MUSCULAR DYSTROPHY 5. Identifiers: Orphanet 261, MedGen C2751805, MONDO:0013072, OMIM 612999.

Allele frequency attached by ClinVar (database versions not stated): gnomAD exomes 0.00001 and 0.00002; TOPMed 0.00005; gnomAD 0.00006 and 0.00007.
gnomAD v4.1: 20 of 1,604,766 alleles (0.0012%); highest among the groups gnomAD compares: African/African-American, 0.012%; no homozygotes.

Submission:

Labcorp Genetics (formerly Invitae), Labcorp
Classification: Uncertain significance for Emery-Dreifuss muscular dystrophy 5, autosomal dominant. Last evaluated: 2023-03-30. Review status: criteria provided, single submitter. Criteria: Invitae Variant Classification Sherloc (09022015). Collection method: clinical testing. Allele origin: germline.
Comment: In summary, the available evidence is currently insufficient to determine the role of this variant in disease. Therefore, it has been classified as a Variant of Uncertain Significance. Variants that disrupt the consensus splice site are a relatively common cause of aberrant splicing (PMID: 17576681, 9536098). Algorithms developed to predict the effect of sequence changes on RNA splicing suggest that this variant is not likely to affect RNA splicing. ClinVar contains an entry for this variant (Variation ID: 1001875). This variant has not been reported in the literature in individuals affected with SYNE2-related conditions. This variant is present in population databases (no rsID available, gnomAD 0.02%). This sequence change falls in intron 64 of the SYNE2 gene. It does not directly change the encoded amino acid sequence of the SYNE2 protein. It affects a nucleotide within the consensus splice site.

Literature cited by the submitters: PubMed 17576681; PubMed 9536098.